The following is an entry in ClinVar:

NM_001009944.3(PKD1):c.5058C>T (p.Thr1686=)

Gene: PKD1 (polycystin 1, transient receptor potential channel interacting; minus strand). Cytogenetic location: 16p13.3.
Variant type: single nucleotide variant.
Coding change: c.5058C>T on transcript NM_001009944.3 (MANE Select); coding-DNA position 5058, C replaced by T.
Protein change: p.Thr1686=; no amino-acid change (threonine 1686 retained).
Molecular consequence: synonymous variant.
Genome position (GRCh38, 1-based): chr16:2,110,109, G>A on the plus strand (C>T on the coding strand, the complement: PKD1 is on the minus strand). VCF-style: chr16-2110109-G-A. GRCh37 (hg19) VCF-style: chr16-2160110-G-A.
Other names: p.Thr1686=; c.5058C>T, p.Thr1686= (NM_000296.4).
Identifiers: ClinVar variation 4684054 (VCV004684054.3).

ClinVar aggregate classification (germline): Likely benign. Review status: criteria provided, multiple submitters, no conflicts (2 of 4 stars). 3 submissions from 3 submitters: Likely benign (3). Last evaluated 2026-03-23.

gnomAD v4.1: 76 of 1,609,614 alleles (0.0047%); highest among the groups gnomAD compares: African/African-American, 0.06%; no homozygotes.

Submissions (3):

Women's Health and Genetics/Laboratory Corporation of America, LabCorp
Classification: Likely benign. Last evaluated: 2026-03-23. Review status: criteria provided, single submitter. Criteria: LabCorp Variant Classification Summary - May 2015. Collection method: clinical testing. Allele origin: germline.
Comment: Variant summary: PKD1 c.5058C>T results in a synonymous change. Consensus agreement among computation tools predict no significant impact on normal splicing. However, these predictions have yet to be confirmed by functional studies. The variant allele was found at a frequency of 4.1e-05 in 243102 control chromosomes. This frequency is not significantly higher than estimated for disease-causing variants in PKD1, allowing no conclusion about variant significance. To our knowledge, no occurrence of c.5058C>T in individuals affected with PKD1-related conditions and no experimental evidence demonstrating its impact on protein function have been reported. ClinVar contains an entry for this variant (Variation ID: 4684054). Based on the evidence outlined above, the variant was classified as likely benign.

Mayo Clinic Laboratories, Mayo Clinic
Classification: Likely benign. Last evaluated: 2025-09-05. Review status: criteria provided, single submitter. Criteria: ACMG Guidelines, 2015. Collection method: clinical testing. Allele origin: germline. Observed: 2 variant alleles.
Comment: BS1, BP4, BP7

Blueprint Genetics
Classification: Likely benign. Last evaluated: 2023-09-20. Review status: criteria provided, single submitter. Criteria: ACMG Guidelines, 2015. Collection method: clinical testing. Allele origin: germline.